The following is an entry in ClinVar:

NM_001082486.2(ACD):c.82G>A (p.Ala28Thr)

Gene: ACD (ACD shelterin complex subunit and telomerase recruitment factor; minus strand). Cytogenetic location: 16q22.1.
Variant type: single nucleotide variant.
Coding change: c.82G>A on transcript NM_001082486.2 (MANE Select); coding-DNA position 82, G replaced by A.
Protein change: p.Ala28Thr; replaces alanine 28 with threonine.
Molecular consequence: missense variant.
Genome position (GRCh38, 1-based): chr16:67,660,139, C>T on the plus strand (G>A on the coding strand, the complement: ACD is on the minus strand). VCF-style: chr16-67660139-C-T. GRCh37 (hg19) VCF-style: chr16-67694042-C-T.
Other names: c.82G>A, p.Ala28Thr (NM_001410884.1, NM_022914.3); short protein forms A28T.
Identifiers: ClinVar variation 1731165 (VCV001731165.2), dbSNP rs866991452, ClinGen allele CA396358168.
Genomic context (GRCh38, chr16:67,660,139, plus strand): 5'-CCGGGCCTCCGCCTCGGTCTCCGGGCCCTGAATGGGGGCTCACCTCAAGCAGCTGCCCGG[C>T]TCGTGGACTGGAGGGTGTCTCTGACCCCAGAATCAGCTCCCGAATCCAGGGCCGTAGGAC-3'
Protein context (NP_001075955.2, residues 18-38): LGSETPSSPR[Ala28Thr]GQLLEVLQDA

ClinVar aggregate classification (germline): Uncertain significance (1 of 4 stars; one submission).

Conditions:
Inborn genetic diseases. Identifiers: MedGen C0950123, MeSH D030342.

Submission:

Ambry Genetics
Classification: Uncertain significance for Inborn genetic diseases. Last evaluated: 2022-01-04. Review status: criteria provided, single submitter. Criteria: Ambry Variant Classification Scheme 2023. Collection method: clinical testing. Allele origin: germline.
Comment: The p.A114T variant (also known as c.340G>A), located in coding exon 1 of the ACD gene, results from a G to A substitution at nucleotide position 340. The alanine at codon 114 is replaced by threonine, an amino acid with similar properties. This amino acid position is conserved. In addition, this alteration is predicted to be tolerated by in silico analysis. Since supporting evidence is limited at this time, the clinical significance of this alteration remains unclear.